The following is an entry in ClinVar:

ClinVar aggregate classification (germline): Benign/Likely benign. Review status: criteria provided, multiple submitters, no conflicts (2 of 4 stars). 3 submissions from 3 submitters: Benign (1); Likely benign (2). Last evaluated 2025-10-08.

Conditions:
Hereditary cancer-predisposing syndrome. Also called: Tumor predisposition; Hereditary Cancer Syndrome; Neoplastic Syndromes, Hereditary; Hereditary neoplastic syndrome. Identifiers: Orphanet 140162, MedGen C0027672, MeSH D009386, MONDO:0015356.
Juvenile polyposis syndrome (JPS). Identifiers: Orphanet 2929, MedGen C0345893, MONDO:0017380, OMIM 174900.

Submissions (3):

Ambry Genetics
Classification: Likely benign for Hereditary cancer-predisposing syndrome. Last evaluated: 2025-10-08. Review status: criteria provided, single submitter. Criteria: Ambry Variant Classification Scheme 2023. Collection method: clinical testing. Allele origin: germline.

Myriad Genetics, Inc.
Classification: Benign for Juvenile polyposis syndrome. Last evaluated: 2024-07-31. Review status: criteria provided, single submitter. Criteria: Myriad Autosomal Dominant, Autosomal Recessive and X-Linked Classification Criteria (2023). Collection method: clinical testing. Allele origin: unknown.
Comment: This variant is considered benign. This variant is a silent/synonymous amino acid change and it is not expected to impact splicing.

Labcorp Genetics (formerly Invitae), Labcorp
Classification: Likely benign for Juvenile polyposis syndrome. Last evaluated: 2023-01-06. Review status: criteria provided, single submitter. Criteria: Invitae Variant Classification Sherloc (09022015). Collection method: clinical testing. Allele origin: germline.

NM_004329.3(BMPR1A):c.240A>T (p.Gly80=)

Gene: BMPR1A (bone morphogenetic protein receptor type 1A; plus strand). Cytogenetic location: 10q23.2.
Variant type: single nucleotide variant.
Coding change: c.240A>T on transcript NM_004329.3 (MANE Select); coding-DNA position 240, A replaced by T.
Protein change: p.Gly80=; no amino-acid change (glycine 80 retained).
Molecular consequence: synonymous variant.
Genome position (GRCh38, 1-based): chr10:86,892,136, A>T. VCF-style: chr10-86892136-A-T. GRCh37 (hg19) VCF-style: chr10-88651893-A-T.
Identifiers: ClinVar variation 760461 (VCV000760461.13), dbSNP rs1282223116, ClinGen allele CA470304984.